The following is an entry in ClinVar:

ClinVar aggregate classification (germline): Likely benign (1 of 4 stars; one submission).

Allele frequency attached by ClinVar (database versions not stated): TOPMed 0.00001; ESP Exome Variant Server 0.00008.
gnomAD v4.1: 9 of 1,613,708 alleles (0.00056%); highest among the groups gnomAD compares: African/African-American, 0.0053%; no homozygotes.

Submission:

Laboratory for Molecular Medicine, Mass General Brigham Personalized Medicine
Classification: Likely benign. Last evaluated: 2016-06-02. Review status: criteria provided, single submitter. Criteria: LMM Criteria. Collection method: clinical testing. Allele origin: germline. Observed: 1 variant allele.
Comment: c.1567-4A>G in intron 17 of TMC1: This variant is not expected to have clinical significance because it is not located within the splice consensus sequence. It has been identified in 1/66740 of European chromosomes by the Exome Aggregation Consortium (ExAC; dbSNP rs369562300).

NM_138691.3(TMC1):c.1567-4A>G

Gene: TMC1 (transmembrane channel like 1; plus strand). Cytogenetic location: 9q21.13.
Variant type: single nucleotide variant.
Coding change: c.1567-4A>G on transcript NM_138691.3 (MANE Select); 4 bases into the intron before coding-DNA position 1567, A replaced by G.
Molecular consequence: intron variant.
Genome position (GRCh38, 1-based): chr9:72,805,378, A>G. VCF-style: chr9-72805378-A-G. GRCh37 (hg19) VCF-style: chr9-75420294-A-G.
Identifiers: ClinVar variation 504682 (VCV000504682.5), dbSNP rs369562300, ClinGen allele CA5081991.
Genomic context (GRCh38, chr9:72,805,378, plus strand): 5'-ATACCAACACTAGGACCATTTGAAGACAGAACTGTGTGTTTTAATAGAGATAATATCTCA[A>G]CAGGAGTTTGTGAGGCTGACAGTCTCTGATGTTCTGACCACCTACGTCACAATCCTCATT-3'